The following is an entry in ClinVar:

ClinVar aggregate classification (germline): Uncertain significance (1 of 4 stars; one submission).

Conditions:
Autosomal recessive limb-girdle muscular dystrophy type R18 (LGMDR18). Also called: MUSCULAR DYSTROPHY, LIMB-GIRDLE, AUTOSOMAL RECESSIVE 18; Autosomal recessive limb-girdle muscular dystrophy type 2S; Limb-girdle muscular dystrophy, type 2S. Identifiers: Orphanet 369840, MedGen C4517996, MONDO:0014144, OMIM 615356.

Submission:

Labcorp Genetics (formerly Invitae), Labcorp
Classification: Uncertain significance for Autosomal recessive limb-girdle muscular dystrophy type R18. Last evaluated: 2024-04-25. Review status: criteria provided, single submitter. Criteria: Invitae Variant Classification Sherloc (09022015). Collection method: clinical testing. Allele origin: germline.
Comment: This sequence change replaces glutamine, which is neutral and polar, with histidine, which is basic and polar, at codon 220 of the TRAPPC11 protein (p.Gln220His). This variant also falls at the last nucleotide of exon 6, which is part of the consensus splice site for this exon. This variant is not present in population databases (gnomAD no frequency). This variant has not been reported in the literature in individuals affected with TRAPPC11-related conditions. An algorithm developed to predict the effect of missense changes on protein structure and function (PolyPhen-2) suggests that this variant is likely to be tolerated. Variants that disrupt the consensus splice site are a relatively common cause of aberrant splicing (PMID: 17576681, 9536098). Algorithms developed to predict the effect of sequence changes on RNA splicing suggest that this variant may disrupt the consensus splice site. In summary, the available evidence is currently insufficient to determine the role of this variant in disease. Therefore, it has been classified as a Variant of Uncertain Significance.

Literature cited by the submitters: PubMed 17576681; PubMed 9536098.

NM_021942.6(TRAPPC11):c.660G>C (p.Gln220His)

Gene: TRAPPC11 (trafficking protein particle complex subunit 11; plus strand). Cytogenetic location: 4q35.1.
Variant type: single nucleotide variant.
Coding change: c.660G>C on transcript NM_021942.6 (MANE Select); coding-DNA position 660, G replaced by C.
Protein change: p.Gln220His; replaces glutamine 220 with histidine.
Molecular consequence: missense variant.
Genome position (GRCh38, 1-based): chr4:183,674,812, G>C. VCF-style: chr4-183674812-G-C. GRCh37 (hg19) VCF-style: chr4-184595965-G-C.
Other names: c.660G>C, p.Gln220His (NM_199053.3); short protein forms Q220H.
Identifiers: ClinVar variation 3647092 (VCV003647092.2).